The following is an entry in ClinVar:

ClinVar aggregate classification (germline): Uncertain significance (1 of 4 stars; one submission).

gnomAD v4.1: 1 of 1,607,342 alleles (0.000062%); highest among the groups gnomAD compares: Non-Finnish European, 0.000085%; no homozygotes.

Submission:

Labcorp Genetics (formerly Invitae), Labcorp
Classification: Uncertain significance. Last evaluated: 2025-05-21. Review status: criteria provided, single submitter. Criteria: Invitae Variant Classification Sherloc (09022015). Collection method: clinical testing. Allele origin: germline.
Comment: This sequence change replaces proline, which is neutral and non-polar, with threonine, which is neutral and polar, at codon 3129 of the DCHS1 protein (p.Pro3129Thr). This variant is present in population databases (no rsID available, gnomAD 0.002%). This variant has not been reported in the literature in individuals affected with DCHS1-related conditions. Invitae Evidence Modeling of protein sequence and biophysical properties (such as structural, functional, and spatial information, amino acid conservation, physicochemical variation, residue mobility, and thermodynamic stability) indicates that this missense variant is not expected to disrupt DCHS1 protein function with a negative predictive value of 80%. In summary, the available evidence is currently insufficient to determine the role of this variant in disease. Therefore, it has been classified as a Variant of Uncertain Significance.

NM_003737.4(DCHS1):c.9385C>A (p.Pro3129Thr)

Gene: DCHS1 (dachsous cadherin-related 1; minus strand). Cytogenetic location: 11p15.4.
Variant type: single nucleotide variant.
Coding change: c.9385C>A on transcript NM_003737.4 (MANE Select); coding-DNA position 9385, C replaced by A.
Protein change: p.Pro3129Thr; replaces proline 3129 with threonine.
Molecular consequence: missense variant.
Genome position (GRCh38, 1-based): chr11:6,622,291, G>T on the plus strand (C>A on the coding strand, the complement: DCHS1 is on the minus strand). VCF-style: chr11-6622291-G-T. GRCh37 (hg19) VCF-style: chr11-6643522-G-T.
Other names: short protein forms P3129T.
Identifiers: ClinVar variation 4744177 (VCV004744177.1).